The following is an entry in ClinVar:

NM_000260.4(MYO7A):c.5065G>A (p.Asp1689Asn)

Gene: MYO7A (myosin VIIA; plus strand). Cytogenetic location: 11q13.5.
Variant type: single nucleotide variant.
Coding change: c.5065G>A on transcript NM_000260.4 (MANE Select); coding-DNA position 5065, G replaced by A.
Protein change: p.Asp1689Asn; replaces aspartic acid 1689 with asparagine.
Molecular consequence: missense variant.
Genome position (GRCh38, 1-based): chr11:77,202,321, G>A. VCF-style: chr11-77202321-G-A. GRCh37 (hg19) VCF-style: chr11-76913366-G-A.
Other names: c.4951G>A, p.Asp1651Asn (NM_001127180.2); c.4918G>A, p.Asp1640Asn (NM_001369365.1); short protein forms D1689N, D1651N, D1640N.
Identifiers: ClinVar variation 550924 (VCV000550924.11), dbSNP rs544639673, ClinGen allele CA6198614.

ClinVar aggregate classification (germline): Conflicting classifications of pathogenicity. Review status: criteria provided, conflicting classifications (1 of 4 stars). 6 submissions from 6 submitters: Uncertain significance (4); Likely benign (1). 1 of the submissions does not count toward it. Last evaluated 2026-01-18.

Conditions:
Autosomal recessive nonsyndromic hearing loss 2. Also called: DEAFNESS, AUTOSOMAL RECESSIVE 2; NEUROSENSORY NONSYNDROMIC RECESSIVE DEAFNESS 2. Identifiers: Orphanet 90636, MedGen C1838701, MONDO:0010807, OMIM 600060.
Usher syndrome type 1 (USH1). Also called: RETINITIS PIGMENTOSA AND CONGENITAL DEAFNESS. Identifiers: Orphanet 231169, Orphanet 886, MedGen C1568247, MONDO:0010168, OMIM 276900.
Autosomal dominant nonsyndromic hearing loss 11. Identifiers: Orphanet 90635, MedGen C1832475, MONDO:0011032, OMIM 601317.

Allele frequency attached by ClinVar (database versions not stated): gnomAD exomes 0.00003 and 0.00011; TOPMed 0.00004; gnomAD 0.00005 and 0.00006; ExAC 0.00017; 1000 Genomes Project 0.00040; 1000 Genomes Project 30x 0.00047.
gnomAD v4.1: 47 of 1,586,216 alleles (0.003%); highest among the groups gnomAD compares: East Asian, 0.067%; no homozygotes.

Submissions (6):

Labcorp Genetics (formerly Invitae), Labcorp
Classification: Likely benign. Last evaluated: 2026-01-18. Review status: criteria provided, single submitter. Criteria: Invitae Variant Classification Sherloc (09022015). Collection method: clinical testing. Allele origin: germline.

GeneDx
Classification: Uncertain significance. Last evaluated: 2025-02-05. Review status: criteria provided, single submitter. Criteria: GeneDx Variant Classification Process June 2021. Collection method: clinical testing. Allele origin: germline. Affected: yes.
Comment: Identified with a missense variant on the opposite allele in a patient with features of Usher syndrome type II in the literature, however, this individual additionally had compound heterozygous variants in the CNGA1 gene which may have also contributed to the phenotype (PMID: 26338283); In silico analysis supports that this missense variant has a deleterious effect on protein structure/function; Also known as D1651N using alternate nomenclature; This variant is associated with the following publications: (PMID: 29625443, 31816670, 33528103, 26338283)

Blueprint Genetics
Classification: Uncertain significance. Last evaluated: 2023-08-10. Review status: criteria provided, single submitter. Criteria: ACMG Guidelines, 2015. Collection method: clinical testing. Allele origin: germline.

Fulgent Genetics
Classification: Uncertain significance for Usher syndrome type 1; Autosomal recessive nonsyndromic hearing loss 2; Autosomal dominant nonsyndromic hearing loss 11. Last evaluated: 2022-04-11. Review status: criteria provided, single submitter. Criteria: ACMG Guidelines, 2015. Collection method: clinical testing. Allele origin: unknown.

Breakthrough Genomics
Classification: Uncertain significance. Review status: criteria provided, single submitter. Criteria: ACMG Guidelines, 2015. Collection method: not provided. Allele origin: germline. Inheritance: Autosomal recessive inheritance. Affected: yes.

Counsyl
Classification: Uncertain significance for Usher syndrome type 1; Autosomal recessive nonsyndromic hearing loss 2. Last evaluated: 2017-03-22. Review status: no assertion criteria provided. Collection method: clinical testing. Allele origin: unknown. Not counted in ClinVar's aggregate classification.

Literature cited by the submitters: PubMed 26338283 (cited by Counsyl).